The following is an entry in ClinVar:

ClinVar aggregate classification (germline): Uncertain significance (1 of 4 stars; one submission).

Conditions:
Long QT syndrome (LQTS). Identifiers: MedGen C0023976, MeSH D008133, MONDO:0002442. Disease mechanism: loss of function. Inheritance: Various modes of inheritance.

Submission:

Labcorp Genetics (formerly Invitae), Labcorp
Classification: Uncertain significance for Long QT syndrome. Last evaluated: 2023-09-24. Review status: criteria provided, single submitter. Criteria: Invitae Variant Classification Sherloc (09022015). Collection method: clinical testing. Allele origin: germline.
Comment: In summary, the available evidence is currently insufficient to determine the role of this variant in disease. Therefore, it has been classified as a Variant of Uncertain Significance. An algorithm developed to predict the effect of missense changes on protein structure and function (PolyPhen-2) suggests that this variant is likely to be tolerated. This variant has not been reported in the literature in individuals affected with AKAP9-related conditions. This variant is present in population databases (no rsID available, gnomAD 0.01%). This sequence change replaces methionine, which is neutral and non-polar, with leucine, which is neutral and non-polar, at codon 1311 of the AKAP9 protein (p.Met1311Leu).

NM_005751.5(AKAP9):c.3931A>T (p.Met1311Leu)

Gene: AKAP9 (A-kinase anchoring protein 9; plus strand). Cytogenetic location: 7q21.2.
Variant type: single nucleotide variant.
Coding change: c.3931A>T on transcript NM_005751.5 (MANE Select); coding-DNA position 3931, A replaced by T.
Protein change: p.Met1311Leu; replaces methionine 1311 with leucine.
Molecular consequence: missense variant.
Genome position (GRCh38, 1-based): chr7:92,022,331, A>T. VCF-style: chr7-92022331-A-T. GRCh37 (hg19) VCF-style: chr7-91651645-A-T.
Other names: c.3931A>T, p.Met1311Leu (NM_147185.3); short protein forms M1311L.
Identifiers: ClinVar variation 2763143 (VCV002763143.3), dbSNP rs1193389840, ClinGen allele CA368127581.